The following is an entry in ClinVar:

NM_003072.5(SMARCA4):c.2974-3C>T

Gene: SMARCA4 (SWI/SNF related BAF chromatin remodeling complex subunit ATPase 4; plus strand). Cytogenetic location: 19p13.2.
Variant type: single nucleotide variant.
Coding change: c.2974-3C>T on transcript NM_003072.5 (MANE Select); 3 bases into the intron before coding-DNA position 2974, C replaced by T.
Molecular consequence: intron variant.
Genome position (GRCh38, 1-based): chr19:11,024,328, C>T. VCF-style: chr19-11024328-C-T. GRCh37 (hg19) VCF-style: chr19-11135004-C-T.
Other names: c.2974-3C>T (NM_001128844.3, NM_001128849.3, NM_001128847.4 and 6 more transcripts).
Identifiers: ClinVar variation 4549083 (VCV004549083.1).

ClinVar aggregate classification (germline): Uncertain significance (1 of 4 stars; one submission).

Conditions:
Hereditary cancer-predisposing syndrome. Also called: Tumor predisposition; Hereditary Cancer Syndrome; Hereditary neoplastic syndrome; Neoplastic Syndromes, Hereditary. Identifiers: Orphanet 140162, MedGen C0027672, MeSH D009386, MONDO:0015356.

Submission:

Ambry Genetics
Classification: Uncertain significance for Hereditary cancer-predisposing syndrome. Last evaluated: 2025-09-16. Review status: criteria provided, single submitter. Criteria: Ambry Variant Classification Scheme 2023. Collection method: clinical testing. Allele origin: germline.
Comment: The c.2974-3C>T intronic variant results from a C to T substitution 3 nucleotides upstream from coding exon 20 in the SMARCA4 gene. This nucleotide position is well conserved in available vertebrate species. In silico splice site analysis predicts that this alteration will not have any significant effect on splicing. Based on the available evidence, the clinical significance of this variant remains unclear.